The following is an entry in ClinVar:

ClinVar aggregate classification (germline): Uncertain significance. Review status: criteria provided, multiple submitters, no conflicts (2 of 4 stars). 2 submissions from 2 submitters: Uncertain significance (2). Last evaluated 2025-10-13.

Conditions:
Inborn genetic diseases. Identifiers: MedGen C0950123, MeSH D030342.

Allele frequency attached by ClinVar (database versions not stated): ExAC 0.00002; gnomAD exomes 0.00002.

Submissions (2):

Labcorp Genetics (formerly Invitae), Labcorp
Classification: Uncertain significance. Last evaluated: 2025-10-13. Review status: criteria provided, single submitter. Criteria: Invitae Variant Classification Sherloc (09022015). Collection method: clinical testing. Allele origin: germline.
Comment: This sequence change replaces proline, which is neutral and non-polar, with threonine, which is neutral and polar, at codon 165 of the TYR protein (p.Pro165Thr). This variant is present in population databases (rs760149792, gnomAD 0.01%). This variant has not been reported in the literature in individuals affected with TYR-related conditions. ClinVar contains an entry for this variant (Variation ID: 1447317). Invitae Evidence Modeling of protein sequence and biophysical properties (such as structural, functional, and spatial information, amino acid conservation, physicochemical variation, residue mobility, and thermodynamic stability) indicates that this missense variant is expected to disrupt TYR protein function with a positive predictive value of 95%. In summary, the available evidence is currently insufficient to determine the role of this variant in disease. Therefore, it has been classified as a Variant of Uncertain Significance.

Ambry Genetics
Classification: Uncertain significance for Inborn genetic diseases. Last evaluated: 2024-08-12. Review status: criteria provided, single submitter. Criteria: Ambry Variant Classification Scheme 2023. Collection method: clinical testing. Allele origin: germline.

NM_000372.5(TYR):c.493C>A (p.Pro165Thr)

Gene: TYR (tyrosinase; plus strand). Cytogenetic location: 11q14.3.
Variant type: single nucleotide variant.
Coding change: c.493C>A on transcript NM_000372.5 (MANE Select); coding-DNA position 493, C replaced by A.
Protein change: p.Pro165Thr; replaces proline 165 with threonine.
Molecular consequence: missense variant.
Genome position (GRCh38, 1-based): chr11:89,178,446, C>A. VCF-style: chr11-89178446-C-A. GRCh37 (hg19) VCF-style: chr11-88911614-C-A.
Other names: c.493C>A (NM_000372.4); short protein forms P165T.
Identifiers: ClinVar variation 1447317 (VCV001447317.5), dbSNP rs760149792, ClinGen allele CA6221123.
Genomic context (GRCh38, chr11:89,178,446, plus strand): 5'-ATCAGCTCAGACTATGTCATCCCCATAGGGACCTATGGCCAAATGAAAAATGGATCAACA[C>A]CCATGTTTAACGACATCAATATTTATGACCTCTTTGTCTGGATGCATTATTATGTGTCAA-3'
Protein context (NP_000363.1, residues 155-175): TYGQMKNGST[Pro165Thr]MFNDINIYDL